The following is an entry in ClinVar:

ClinVar aggregate classification (germline): Uncertain significance (1 of 4 stars; one submission).

Submission:

Labcorp Genetics (formerly Invitae), Labcorp
Classification: Uncertain significance. Last evaluated: 2025-03-25. Review status: criteria provided, single submitter. Criteria: Invitae Variant Classification Sherloc (09022015). Collection method: clinical testing. Allele origin: germline.
Comment: This sequence change falls in intron 10 of the ZMYND11 gene. It does not directly change the encoded amino acid sequence of the ZMYND11 protein. Information on the frequency of this variant in the gnomAD database is not available, as this variant may be reported differently in the database. This variant has not been reported in the literature in individuals affected with ZMYND11-related conditions. Experimental studies and prediction algorithms are not available or were not evaluated, and the effect of this variant on mRNA splicing is currently unknown. In summary, the available evidence is currently insufficient to determine the role of this variant in disease. Therefore, it has been classified as a Variant of Uncertain Significance.

NM_001370100.5(ZMYND11):c.950+11_950+12delinsCC

Gene: ZMYND11 (zinc finger MYND-type containing 11; plus strand). Cytogenetic location: 10p15.3.
Variant type: Indel.
Coding change: c.950+11_950+12delinsCC on transcript NM_001370100.5 (MANE Select); bases 11 to 12 of the intron after coding-DNA position 950, AT replaced by CC.
Molecular consequence: intron variant.
Genome position (GRCh38, 1-based): chr10:242,150-242,151, AT replaced by CC. VCF-style: chr10-242150-AT-CC. GRCh37 (hg19) VCF-style: chr10-288090-AT-CC.
Other names: c.788+11_788+12delinsCC (NM_001370103.2, NM_001370104.2, NM_001370105.2 and 6 more transcripts); c.950+11_950+12delinsCC (NM_006624.7, NM_001370098.2, NM_001370097.3 and 5 more transcripts); c.872+11_872+12delinsCC (NM_001370119.2); c.830+11_830+12delinsCC (NM_001370118.2); c.857+11_857+12delinsCC (NM_001370113.2, NM_001370114.2); c.899+11_899+12delinsCC (NM_001330057.3, NM_001370112.2); c.947+11_947+12delinsCC (NM_001370115.2, NM_212479.4); c.785+11_785+12delinsCC (NM_001202466.3, NM_001370111.2); and 7 more.
Identifiers: ClinVar variation 3700828 (VCV003700828.2).